The following is an entry in ClinVar:

ClinVar aggregate classification (germline): Uncertain significance (1 of 4 stars; one submission).

gnomAD v4.1: 1 of 1,614,044 alleles (0.000062%); no homozygotes.

Submission:

Labcorp Genetics (formerly Invitae), Labcorp
Classification: Uncertain significance. Last evaluated: 2024-05-13. Review status: criteria provided, single submitter. Criteria: Invitae Variant Classification Sherloc (09022015). Collection method: clinical testing. Allele origin: germline.
Comment: This sequence change replaces asparagine, which is neutral and polar, with isoleucine, which is neutral and non-polar, at codon 1816 of the ALPK3 protein (p.Asn1816Ile). This variant is not present in population databases (gnomAD no frequency). This variant has not been reported in the literature in individuals affected with ALPK3-related conditions. ClinVar contains an entry for this variant (Variation ID: 1462087). An algorithm developed to predict the effect of missense changes on protein structure and function (PolyPhen-2) suggests that this variant is likely to be disruptive. In summary, the available evidence is currently insufficient to determine the role of this variant in disease. Therefore, it has been classified as a Variant of Uncertain Significance.

NM_020778.5(ALPK3):c.4841A>T (p.Asn1614Ile)

Gene: ALPK3 (alpha kinase 3; plus strand). Cytogenetic location: 15q25.3.
Variant type: single nucleotide variant.
Coding change: c.4841A>T on transcript NM_020778.5 (MANE Select); coding-DNA position 4841, A replaced by T.
Protein change: p.Asn1614Ile; replaces asparagine 1614 with isoleucine.
Molecular consequence: missense variant.
Genome position (GRCh38, 1-based): chr15:84,868,179, A>T. VCF-style: chr15-84868179-A-T. GRCh37 (hg19) VCF-style: chr15-85411410-A-T.
Other names: short protein forms N1614I.
Identifiers: ClinVar variation 1462087 (VCV001462087.6), dbSNP rs369329091, ClinGen allele CA273635498.